The following is an entry in ClinVar:

ClinVar aggregate classification (germline): Conflicting classifications of pathogenicity. Review status: criteria provided, conflicting classifications (1 of 4 stars). 3 submissions from 3 submitters: Uncertain significance (2); Likely benign (1). Last evaluated 2023-10-20.

Conditions:
Inborn genetic diseases. Identifiers: MedGen C0950123, MeSH D030342.

Allele frequency attached by ClinVar (database versions not stated): gnomAD exomes 0.00002; gnomAD 0.00004; ExAC 0.00008; TOPMed 0.00008.
gnomAD v4.1: 37 of 1,613,570 alleles (0.0023%); highest among the groups gnomAD compares: East Asian, 0.071%; no homozygotes.

Submissions (3):

Ambry Genetics
Classification: Likely benign for Inborn genetic diseases. Last evaluated: 2023-10-20. Review status: criteria provided, single submitter. Criteria: Ambry Variant Classification Scheme 2023. Collection method: clinical testing. Allele origin: germline.

GeneDx
Classification: Uncertain significance. Last evaluated: 2023-06-22. Review status: criteria provided, single submitter. Criteria: GeneDx Variant Classification Process June 2021. Collection method: clinical testing. Allele origin: germline. Affected: yes.
Comment: In silico analysis supports that this missense variant does not alter protein structure/function; Has not been previously published as pathogenic or benign to our knowledge

Blueprint Genetics
Classification: Uncertain significance. Last evaluated: 2019-01-10. Review status: criteria provided, single submitter. Criteria: ACMG Guidelines, 2015. Collection method: clinical testing. Allele origin: germline.

NM_000110.4(DPYD):c.3062T>C (p.Val1021Ala)

Gene: DPYD (dihydropyrimidine dehydrogenase; minus strand). Cytogenetic location: 1p21.3.
Variant type: single nucleotide variant.
Coding change: c.3062T>C on transcript NM_000110.4 (MANE Select); coding-DNA position 3062, T replaced by C.
Protein change: p.Val1021Ala; replaces valine 1021 with alanine.
Molecular consequence: missense variant.
Genome position (GRCh38, 1-based): chr1:97,078,992, A>G on the plus strand (T>C on the coding strand, the complement: DPYD is on the minus strand). VCF-style: chr1-97078992-A-G. GRCh37 (hg19) VCF-style: chr1-97544548-A-G.
Other names: short protein forms V1021A.
Identifiers: ClinVar variation 3085646 (VCV003085646.3), dbSNP rs770320798, ClinGen allele CA962867.